The following is an entry in ClinVar:

NM_152328.5(ADSS1):c.301G>A (p.Gly101Arg)

Gene: ADSS1 (adenylosuccinate synthase 1; plus strand). Cytogenetic location: 14q32.33.
Variant type: single nucleotide variant.
Coding change: c.301G>A on transcript NM_152328.5 (MANE Select); coding-DNA position 301, G replaced by A.
Protein change: p.Gly101Arg; replaces glycine 101 with arginine.
Molecular consequence: missense variant. On other transcripts: 5 prime UTR variant (1).
Genome position (GRCh38, 1-based): chr14:104,738,381, G>A. VCF-style: chr14-104738381-G-A. GRCh37 (hg19) VCF-style: chr14-105204718-G-A.
Other names: c.-298G>A (NM_001320424.1); c.430G>A, p.Gly144Arg (NM_199165.2); c.430G>A (NM_199165.1); short protein forms G101R, G144R.
Identifiers: ClinVar variation 1681912 (VCV001681912.4), dbSNP rs376923979, ClinGen allele CA7373603.

ClinVar aggregate classification (germline): Uncertain significance. Review status: criteria provided, multiple submitters, no conflicts (2 of 4 stars). 2 submissions from 2 submitters: Uncertain significance (2). Last evaluated 2024-05-06.

Conditions:
Inborn genetic diseases. Identifiers: MedGen C0950123, MeSH D030342.

Allele frequency attached by ClinVar (database versions not stated): ExAC 0.00002; gnomAD exomes 0.00003 and 0.00004; TOPMed 0.00007; ESP Exome Variant Server 0.00008; gnomAD 0.00008 and 0.00009.
gnomAD v4.1: 71 of 1,613,662 alleles (0.0044%); highest among the groups gnomAD compares: Non-Finnish European, 0.0053%; no homozygotes.

Submissions (2):

Ambry Genetics
Classification: Uncertain significance for Inborn genetic diseases. Last evaluated: 2024-05-06. Review status: criteria provided, single submitter. Criteria: Ambry Variant Classification Scheme 2023. Collection method: clinical testing. Allele origin: germline.

Labcorp Genetics (formerly Invitae), Labcorp
Classification: Uncertain significance. Last evaluated: 2022-03-02. Review status: criteria provided, single submitter. Criteria: Invitae Variant Classification Sherloc (09022015). Collection method: clinical testing. Allele origin: germline.
Comment: This sequence change replaces glycine, which is neutral and non-polar, with arginine, which is basic and polar, at codon 144 of the ADSSL1 protein (p.Gly144Arg). This variant is present in population databases (rs376923979, gnomAD 0.006%). This variant has not been reported in the literature in individuals affected with ADSSL1-related conditions. Algorithms developed to predict the effect of missense changes on protein structure and function are either unavailable or do not agree on the potential impact of this missense change (SIFT: "Not Available"; PolyPhen-2: "Probably Damaging"; Align-GVGD: "Not Available"). In summary, the available evidence is currently insufficient to determine the role of this variant in disease. Therefore, it has been classified as a Variant of Uncertain Significance.